The following is an entry in ClinVar:

NM_000121.4(EPOR):c.962C>T (p.Thr321Ile)

Gene: EPOR (erythropoietin receptor; minus strand). Cytogenetic location: 19p13.2.
Variant type: single nucleotide variant.
Coding change: c.962C>T on transcript NM_000121.4 (MANE Select); coding-DNA position 962, C replaced by T.
Protein change: p.Thr321Ile; replaces threonine 321 with isoleucine.
Molecular consequence: missense variant. On other transcripts: non-coding transcript variant (1).
Genome position (GRCh38, 1-based): chr19:11,378,549, G>A on the plus strand (C>T on the coding strand, the complement: EPOR is on the minus strand). VCF-style: chr19-11378549-G-A. GRCh37 (hg19) VCF-style: chr19-11489225-G-A.
Other names: short protein forms T321I.
Identifiers: ClinVar variation 4995087 (VCV004995087.1).
Genomic context (GRCh38, chr19:11,378,549, plus strand): 5'-GTCCCCCAGCAGCGCTCTGAGAGGACTTCCAGGGAAGCAGGTGGGTCCTCCGTGAAGGGG[G>A]TGCAGGGGCTCCACCACAGGCAGCCATCATTCTGGTACAGCCACAGCTGAAGAAATAGCA-3'
Protein context (NP_000112.1, residues 311-331): NDGCLWWSPC[Thr321Ile]PFTEDPPASL

ClinVar aggregate classification (germline): Uncertain significance (1 of 4 stars; one submission).

Conditions:
EPOR-related disorder. Also called: EPOR-related condition.

gnomAD v4.1: 2 of 1,614,198 alleles (0.00012%); highest among the groups gnomAD compares: East Asian, 0.0045%; no homozygotes.

Submission:

PreventionGenetics, part of Exact Sciences
Classification: Uncertain significance for EPOR-related condition. Last evaluated: 2026-08-04. Review status: criteria provided, single submitter. Criteria: ACMG Guidelines, 2015. Collection method: clinical testing. Allele origin: germline.
Comment: The EPOR c.962C>T variant is predicted to result in the amino acid substitution p.Thr321Ile. To our knowledge, this variant has not been reported in the literature. This variant is reported in 0.0065% of alleles in individuals of European (Non-Finnish) descent in gnomAD. At this time, the clinical significance of this variant is uncertain due to the absence of conclusive functional and genetic evidence.